The following is an entry in ClinVar:

NM_000368.5(TSC1):c.912T>C (p.Tyr304=)

Gene: TSC1 (TSC complex subunit 1; minus strand). Cytogenetic location: 9q34.13.
Variant type: single nucleotide variant.
Coding change: c.912T>C on transcript NM_000368.5 (MANE Select); coding-DNA position 912, T replaced by C.
Protein change: p.Tyr304=; no amino-acid change (tyrosine 304 retained).
Molecular consequence: synonymous variant.
Genome position (GRCh38, 1-based): chr9:132,912,283, A>G on the plus strand (T>C on the coding strand, the complement: TSC1 is on the minus strand). VCF-style: chr9-132912283-A-G. GRCh37 (hg19) VCF-style: chr9-135787670-A-G.
Other names: c.912T>C, p.Tyr304= (NM_001162426.2); c.759T>C, p.Tyr253= (NM_001162427.2); c.549T>C, p.Tyr183= (NM_001362177.2).
Identifiers: ClinVar variation 411253 (VCV000411253.17), dbSNP rs118203466, ClinGen allele CA039404.
Genomic context (GRCh38, chr9:132,912,283, plus strand): 5'-AAATAATGTTTTCCAGAGACAAAGTTGCAAAACAGATAAGTACCAAAGACACTTTTTACC[A>G]TAGCTATTCTGTGTGTCAGCATAAGGGCTGGTGGTGACATCGGCTGAACGATGAGGAAAG-3'
Protein context (NP_000359.1, residues 294-314): TSPYADTQNS[Tyr304=]GCATSTPYST

ClinVar aggregate classification (germline): Benign/Likely benign. Review status: criteria provided, multiple submitters, no conflicts (2 of 4 stars). 5 submissions from 5 submitters: Benign (1); Likely benign (4). Last evaluated 2025-12-18.

Conditions:
Hereditary cancer-predisposing syndrome. Also called: Hereditary neoplastic syndrome; Neoplastic Syndromes, Hereditary; Tumor predisposition; Hereditary Cancer Syndrome. Identifiers: Orphanet 140162, MedGen C0027672, MeSH D009386, MONDO:0015356.
Tuberous sclerosis syndrome (TSC). Also called: Tuberous Sclerosis Complex; Tuberous sclerosis. Identifiers: Orphanet 805, MedGen C0041341, MONDO:0001734.
Tuberous sclerosis 1 (TSC1). Identifiers: Orphanet 805, MedGen C1854465, MONDO:0008612, OMIM 191100.
Lymphangiomyomatosis (LAM). Also called: Lymphangioleiomyomatosis; Lymphangioleiomyomatosis, somatic. Identifiers: Orphanet 538, MedGen C0751674, MONDO:0011705, OMIM 606690.
Isolated focal cortical dysplasia type II (FCORD2). Also called: CORTICAL DYSPLASIA OF TAYLOR; Focal cortical dysplasia type II. Identifiers: Orphanet 268994, MedGen C1846385, MONDO:0011818, OMIM 607341, HP:0032051.

Allele frequency attached by ClinVar (database versions not stated): gnomAD exomes below 0.00001 and 0.00001; ExAC 0.00002; TOPMed 0.00002; gnomAD 0.00003 and 0.00004; ESP Exome Variant Server 0.00008; 1000 Genomes Project 30x 0.00016; 1000 Genomes Project 0.00020.
gnomAD v4.1: 9 of 1,614,160 alleles (0.00056%); highest among the groups gnomAD compares: African/African-American, 0.0093%; no homozygotes.

Submissions (5):

Labcorp Genetics (formerly Invitae), Labcorp
Classification: Benign for Tuberous sclerosis 1. Last evaluated: 2025-12-18. Review status: criteria provided, single submitter. Criteria: Invitae Variant Classification Sherloc (09022015). Collection method: clinical testing. Allele origin: germline.

Myriad Genetics, Inc.
Classification: Likely benign for Tuberous sclerosis 1. Last evaluated: 2024-08-27. Review status: criteria provided, single submitter. Criteria: Myriad Autosomal Dominant, Autosomal Recessive and X-Linked Classification Criteria (2023). Collection method: clinical testing. Allele origin: unknown.
Comment: This variant is considered likely benign. This variant has been observed at a population frequency that is significantly greater than expected given the associated disease prevalence and penetrance.

All of Us Research Program, National Institutes of Health
Classification: Likely benign for Tuberous sclerosis syndrome. Last evaluated: 2023-08-15. Review status: criteria provided, single submitter. Criteria: ACMG Guidelines, 2015. Collection method: clinical testing. Allele origin: germline. Inheritance: Autosomal dominant inheritance. Observed: 4 variant alleles, 4 heterozygotes.
Comment: This study involves interpretation of variants in research participants for the purpose of population health screening. Participant phenotype was not available at the time of variant classification. Additional details can be found in publication PMID: 35346344, PMCID: PMC8962531

Fulgent Genetics
Classification: Likely benign for Tuberous sclerosis 1; Lymphangiomyomatosis; Isolated focal cortical dysplasia type II. Last evaluated: 2022-05-10. Review status: criteria provided, single submitter. Criteria: ACMG Guidelines, 2015. Collection method: clinical testing. Allele origin: unknown.

Ambry Genetics
Classification: Likely benign for Hereditary cancer-predisposing syndrome. Last evaluated: 2017-07-19. Review status: criteria provided, single submitter. Criteria: Ambry Variant Classification Scheme 2023. Collection method: clinical testing. Allele origin: germline.